The following is an entry in ClinVar:

ClinVar aggregate classification (germline): Uncertain significance (1 of 4 stars; one submission).

Submission:

GeneDx
Classification: Uncertain significance. Last evaluated: 2017-06-05. Review status: criteria provided, single submitter. Criteria: GeneDx Variant Classification (06012015). Collection method: clinical testing. Allele origin: germline. Affected: yes.
Comment: The M771I variant in the PTCHD1 gene has not been reported previously as a pathogenic variant, nor as a benign variant, to our knowledge. The M771I variant is not observed in large population cohorts (Lek et al., 2016; 1000 Genomes Consortium et al., 2015; Exome Variant Server). The M771I variant is a conservative amino acid substitution, which is not likely to impact secondary protein structure as these residues share similar properties. This substitution occurs at a position where amino acids with similar properties to Methionine are tolerated across species. In silico analysis predicts this variant likely does not alter the protein structure/function. We interpret M771I as a variant of uncertain significance.

NM_173495.3(PTCHD1):c.2313G>T (p.Met771Ile)

Gene: PTCHD1 (patched domain containing 1; plus strand). Cytogenetic location: Xp22.11.
Variant type: single nucleotide variant.
Coding change: c.2313G>T on transcript NM_173495.3 (MANE Select); coding-DNA position 2313, G replaced by T.
Protein change: p.Met771Ile; replaces methionine 771 with isoleucine.
Molecular consequence: missense variant.
Genome position (GRCh38, 1-based): chrX:23,393,831, G>T. VCF-style: chrX-23393831-G-T. GRCh37 (hg19) VCF-style: chrX-23411948-G-T.
Other names: short protein forms M771I.
Identifiers: ClinVar variation 432333 (VCV000432333.2), dbSNP rs1165623374, ClinGen allele CA412587912.